The following is an entry in ClinVar:

ClinVar aggregate classification (germline): Pathogenic/Likely pathogenic. Review status: criteria provided, multiple submitters, no conflicts (2 of 4 stars). 11 submissions from 11 submitters: Pathogenic (3); Likely pathogenic (6). 2 of the submissions do not count toward it. Last evaluated 2026-01-26.

Conditions:
DHCR7-related disorder. Also called: DHCR7-related condition.
Smith-Lemli-Opitz syndrome (SLOS). Also called: RSH SYNDROME; RUTLEDGE LETHAL MULTIPLE CONGENITAL ANOMALY SYNDROME; LETHAL ACRODYSGENITAL SYNDROME; 7-Dehydrocholesterol reductase deficiency; POLYDACTYLY, SEX REVERSAL, RENAL HYPOPLASIA, AND UNILOBAR LUNG. Identifiers: Orphanet 818, MedGen C0175694, MONDO:0010035, OMIM 270400.

Allele frequency attached by ClinVar (database versions not stated): gnomAD 0.00001 and below 0.00001; TOPMed 0.00001; gnomAD exomes 0.00003 and 0.00004; ExAC 0.00005; 1000 Genomes Project 30x 0.00031.

Submissions (11):

Natera, Inc.
Classification: Likely pathogenic for Smith-Lemli-Opitz syndrome. Last evaluated: 2026-01-26. Review status: criteria provided, single submitter. Criteria: Natera Variant Classification Schema (03/2026). Collection method: clinical testing. Allele origin: germline.
Comment: The c.730G>A variant in DHCR7 is a missense variant predicted to cause substitution of glycine to arginine at amino acid 244. This variant is rare in the general population with a frequency below the threshold expected for the associated phenotype(s). This variant has been observed in one or more individuals affected with the associated recessive disease, as either homozygous or compound heterozygous with a second variant (PMID: 12270273, 12818773, 9683613). Computational prediction algorithms indicate this variant is likely to affect gene or protein function. Given the available evidence, this variant is classified as Likely Pathogenic.

Fulgent Genetics
Classification: Likely pathogenic for Smith-Lemli-Opitz syndrome. Last evaluated: 2024-06-17. Review status: criteria provided, single submitter. Criteria: ACMG Guidelines, 2015. Collection method: clinical testing. Allele origin: germline.

CeGaT Center for Human Genetics Tuebingen
Classification: Likely pathogenic. Last evaluated: 2024-05-01. Review status: criteria provided, single submitter. Criteria: CeGaT Center For Human Genetics Tuebingen Variant Classification Criteria Version 2. Collection method: clinical testing. Allele origin: germline. Affected: yes. Observed: 2 variant alleles.
Comment: DHCR7: PM3:Strong, PM2, PP3

Blueprint Genetics
Classification: Pathogenic for DHCR7-related disorders. Last evaluated: 2024-04-19. Review status: criteria provided, single submitter. Criteria: ACMG Guidelines, 2015. Collection method: clinical testing. Allele origin: germline. Affected: yes. Observed: 3 variant alleles.

Revvity Omics, Revvity
Classification: Likely pathogenic for Smith-Lemli-Opitz syndrome. Last evaluated: 2024-02-20. Review status: criteria provided, single submitter. Criteria: ACMG Guidelines, 2015. Collection method: clinical testing. Allele origin: germline.

Labcorp Genetics (formerly Invitae), Labcorp
Classification: Pathogenic for Smith-Lemli-Opitz syndrome. Last evaluated: 2023-12-15. Review status: criteria provided, single submitter. Criteria: Invitae Variant Classification Sherloc (09022015). Collection method: clinical testing. Allele origin: germline.
Comment: This sequence change replaces glycine, which is neutral and non-polar, with arginine, which is basic and polar, at codon 244 of the DHCR7 protein (p.Gly244Arg). This variant is present in population databases (rs121909764, gnomAD 0.02%). This missense change has been observed in individual(s) with Smith-Lemli-Opitz syndrome (PMID: 9683613, 12270273, 12818773, 23293579). ClinVar contains an entry for this variant (Variation ID: 6781). Advanced modeling of protein sequence and biophysical properties (such as structural, functional, and spatial information, amino acid conservation, physicochemical variation, residue mobility, and thermodynamic stability) performed at Invitae indicates that this missense variant is expected to disrupt DHCR7 protein function with a positive predictive value of 95%. For these reasons, this variant has been classified as Pathogenic.

3billion
Classification: Likely pathogenic for Smith-Lemli-Opitz syndrome. Last evaluated: 2022-01-03. Review status: criteria provided, single submitter. Criteria: ACMG Guidelines, 2015. Collection method: clinical testing. Allele origin: germline. Affected: yes. Observed: 1 heterozygote.
Comment: Same nucleotide change resulting in same amino acid change has been previously reported as pathogenic/likely pathogenic with strong evidence (ClinVar ID: VCV000006781, PMID:9683613, PS1_S). In silico tool predictions suggest damaging effect of the variant on gene or gene product (REVEL: 0.972, 3CNET: 0.993, PP3_P). A missense variant is a common mechanism associated with Smith-Lemli-Opitz syndrome (PP2_P). It is observed at an extremely low frequency in the gnomAD v2.1.1 dataset (total allele frequency: 0.000032, PM2_M). Therefore, this variant is classified as likely pathogenic according to the recommendation of ACMG/AMP guideline.

Greenwood Genetic Center Diagnostic Laboratories, Greenwood Genetic Center
Classification: Likely pathogenic. Last evaluated: 2021-03-16. Review status: criteria provided, single submitter. Criteria: ACMG Guidelines, 2015. Collection method: clinical testing. Allele origin: germline. Affected: yes.
Comment: PS3, PS4_Moderate

Juno Genomics, Hangzhou Juno Genomics, Inc
Classification: Pathogenic for Smith-Lemli-Opitz syndrome. Review status: criteria provided, single submitter. Criteria: ACMG Guidelines, 2015. Collection method: clinical testing. Allele origin: germline.
Comment: Absent from controls (or at extremely low frequency if recessive) in Genome Aggregation Database.;Multiple lines of computational evidence support a deleterious effect on the gene or gene product.;For recessive disorders, detected in trans with a pathogenic variant.;Patient's phenotype or family history is highly specific for a disease with a single genetic etiology.

PreventionGenetics, part of Exact Sciences
Classification: Pathogenic for DHCR7-related condition. Last evaluated: 2024-05-16. Review status: no assertion criteria provided. Collection method: clinical testing. Allele origin: germline. Not counted in ClinVar's aggregate classification.
Comment: The DHCR7 c.730G>A variant is predicted to result in the amino acid substitution p.Gly244Arg. This variant has been reported in the compound heterozygous state in several individuals with Smith-Lemli-Opitz syndrome (Waterham et al. 1998. PubMed ID: 9683613; Balogh et al. 2012. PubMed ID: 23293579; Korade et al. 2017. PubMed ID: 28972118). This variant is reported in 0.020% of alleles in individuals of South Asian descent in gnomAD. This variant is interpreted as pathogenic.

OMIM
Classification: Pathogenic for SMITH-LEMLI-OPITZ SYNDROME. Last evaluated: 1998-08-01. Review status: no assertion criteria provided. Collection method: literature only. Allele origin: germline. Not counted in ClinVar's aggregate classification.

Literature cited by the submitters: PubMed 12270273 (cited by Natera, Inc. and Labcorp Genetics (formerly Invitae), Labcorp); PubMed 12818773 (cited by Natera, Inc. and Labcorp Genetics (formerly Invitae), Labcorp); PubMed 9683613 (cited by 3 submitters); PubMed 23293579 (cited by Labcorp Genetics (formerly Invitae), Labcorp); Waterham, H. R., Wijburg, F. A., Hennekam, R. C. M., Vreken, P., Poll-The, B. T., Dorland, L., Duran, M., Jira, P. E., Smeitink, J. A. M., Wevers, R. A., Wanders, R. J. A. Smith-Lemli-Opitz syndrome is caused by mutations in the 7-dehydrocholesterol reductase gene. Am. J. Hum. Genet. 63: 329-338, 1998. (cited by OMIM).

NM_001360.3(DHCR7):c.730G>A (p.Gly244Arg)

Gene: DHCR7 (7-dehydrocholesterol reductase; minus strand). Cytogenetic location: 11q13.4.
Variant type: single nucleotide variant.
Coding change: c.730G>A on transcript NM_001360.3 (MANE Select); coding-DNA position 730, G replaced by A.
Protein change: p.Gly244Arg; replaces glycine 244 with arginine.
Molecular consequence: missense variant.
Genome position (GRCh38, 1-based): chr11:71,438,980, C>T on the plus strand (G>A on the coding strand, the complement: DHCR7 is on the minus strand). VCF-style: chr11-71438980-C-T. GRCh37 (hg19) VCF-style: chr11-71150026-C-T.
Other names: c.730G>A, p.Gly244Arg (NM_001163817.2); short protein forms G244R.
Identifiers: ClinVar variation 6781 (VCV000006781.45), dbSNP rs121909764, ClinGen allele CA253939.